The following is an entry in ClinVar:

NM_021098.3(CACNA1H):c.6296AGG[1] (p.Glu2100del)

Gene: CACNA1H (calcium voltage-gated channel subunit alpha1 H; plus strand). Cytogenetic location: 16p13.3.
Variant type: Microsatellite.
Coding change: c.6296AGG[1] on transcript NM_021098.3 (MANE Select); one copy of the 3-base unit AGG starting at c.6296; the reference has two copies in a row; one copy, 3 bases deleted; also written c.6299_6301del.
Protein change: p.Glu2100del; deletes glutamic acid 2100.
Molecular consequence: inframe deletion.
Genome position (GRCh38, 1-based): chr16:1,220,231-1,220,233, AGG deleted; deleting any 3 consecutive bases within chr16:1,220,227-1,220,233 gives the same sequence; the position shown is the placement nearest the transcript's 3' end. VCF-style (leftmost placement, unchanged base first): chr16-1220226-CGAG-C. GRCh37 (hg19) VCF-style: chr16-1270226-CGAG-C.
Other names: c.6299_6301del (NM_021098.3); c.6278AGG[1], p.Glu2094del (NM_001005407.2); short protein forms E2100del, E2094del.
Identifiers: ClinVar variation 640194 (VCV000640194.9), dbSNP rs1567559045, ClinGen allele CA620698910.

ClinVar aggregate classification (germline): Uncertain significance. Review status: criteria provided, multiple submitters, no conflicts (2 of 4 stars). 2 submissions from 2 submitters: Uncertain significance (2). Last evaluated 2025-09-10.

Conditions:
Idiopathic generalized epilepsy. Also called: EIG; Generalised epilepsy. Identifiers: MedGen C0270850, MONDO:0005579, OMIM 600669.
Hyperaldosteronism, familial, type IV (HALD4). Also called: FH IV; ALDOSTERONISM, PRIMARY, AND HYPERTENSION. Identifiers: Orphanet 642671, MedGen C4310756, MONDO:0014875, OMIM 617027.
Epilepsy, childhood absence, susceptibility to, 6. Identifiers: Orphanet 64280, MedGen C2749872, MONDO:0012763, OMIM 611942.

Submissions (2):

Genomic Medicine Center of Excellence, King Faisal Specialist Hospital and Research Centre
Classification: Uncertain significance for Epilepsy, childhood absence, susceptibility to, 6. Last evaluated: 2025-09-10. Review status: criteria provided, single submitter. Criteria: ACMG Guidelines, 2015. Collection method: clinical testing. Allele origin: germline.

Labcorp Genetics (formerly Invitae), Labcorp
Classification: Uncertain significance for Idiopathic generalized epilepsy; Hyperaldosteronism, familial, type IV. Last evaluated: 2022-12-29. Review status: criteria provided, single submitter. Criteria: Invitae Variant Classification Sherloc (09022015). Collection method: clinical testing. Allele origin: germline.
Comment: In summary, the available evidence is currently insufficient to determine the role of this variant in disease. Therefore, it has been classified as a Variant of Uncertain Significance. Experimental studies and prediction algorithms are not available or were not evaluated, and the functional significance of this variant is currently unknown. ClinVar contains an entry for this variant (Variation ID: 640194). This variant has not been reported in the literature in individuals affected with CACNA1H-related conditions. This variant is present in population databases (no rsID available, gnomAD 0.001%). This variant, c.6299_6301del, results in the deletion of 1 amino acid(s) of the CACNA1H protein (p.Glu2100del), but otherwise preserves the integrity of the reading frame.